The following is an entry in ClinVar:

ClinVar aggregate classification (germline): Likely pathogenic (1 of 4 stars; one submission).

Conditions:
Bardet-Biedl syndrome (BBS). Identifiers: Orphanet 110, MedGen C0752166, MONDO:0015229.

Submission:

Labcorp Genetics (formerly Invitae), Labcorp
Classification: Likely pathogenic for Bardet-Biedl syndrome. Last evaluated: 2023-03-08. Review status: criteria provided, single submitter. Criteria: Invitae Variant Classification Sherloc (09022015). Collection method: clinical testing. Allele origin: germline.
Comment: In summary, the currently available evidence indicates that the variant is pathogenic, but additional data are needed to prove that conclusively. Therefore, this variant has been classified as Likely Pathogenic. Algorithms developed to predict the effect of sequence changes on RNA splicing suggest that this variant may disrupt the consensus splice site. This variant has not been reported in the literature in individuals affected with BBS4-related conditions. This variant results in the deletion of part of exon 14 (c.1234_1248+5del) of the BBS4 gene. It is expected to disrupt RNA splicing. Variants that disrupt the donor or acceptor splice site typically lead to a loss of protein function (PMID: 16199547), and loss-of-function variants in BBS4 are known to be pathogenic (PMID: 11381270, 12016587, 20177705, 27894351). This variant is not present in population databases (gnomAD no frequency).

Literature cited by the submitters: PubMed 16199547; PubMed 11381270; PubMed 12016587; PubMed 20177705; PubMed 27894351.

NM_033028.5(BBS4):c.1234_1248+5del

Gene: BBS4 (Bardet-Biedl syndrome 4; plus strand). Cytogenetic location: 15q24.1.
Variant type: Deletion.
Coding change: c.1234_1248+5del on transcript NM_033028.5 (MANE Select); coding-DNA position 1234 through 5 bases into the intron after coding-DNA position 1248, 20 bases deleted (GAATTTGACTCTGAGGTATG).
Molecular consequence: splice donor variant.
Genome position (GRCh38, 1-based): chr15:72,735,952-72,735,971, GAATTTGACTCTGAGGTATG deleted; deleting any 20 consecutive bases within chr15:72,735,950-72,735,971 gives the same sequence; the c. name uses the placement nearest the transcript's 3' end. VCF-style (leftmost placement, unchanged base first): chr15-72735949-CTGGAATTTGACTCTGAGGTA-C. GRCh37 (hg19) VCF-style: chr15-73028290-CTGGAATTTGACTCTGAGGTA-C.
Other names: c.1165_1179+5del (NM_001320665.2); c.718_732+5del (NM_001252678.2).
Identifiers: ClinVar variation 2843659 (VCV002843659.3), dbSNP rs2543012774, ClinGen allele CA2739269565.